The following is an entry in ClinVar:

NM_201253.3(CRB1):c.2249G>T (p.Gly750Val)

Gene: CRB1 (crumbs cell polarity complex component 1; plus strand). Cytogenetic location: 1q31.3.
Variant type: single nucleotide variant.
Coding change: c.2249G>T on transcript NM_201253.3 (MANE Select); coding-DNA position 2249, G replaced by T.
Protein change: p.Gly750Val; replaces glycine 750 with valine.
Molecular consequence: missense variant. On other transcripts: non-coding transcript variant (2), intron variant (1).
Genome position (GRCh38, 1-based): chr1:197,427,574, G>T. VCF-style: chr1-197427574-G-T. GRCh37 (hg19) VCF-style: chr1-197396704-G-T.
Other names: c.1913G>T, p.Gly638Val (NM_001193640.2); c.2042G>T, p.Gly681Val (NM_001257965.2); c.2128+5618G>T (NM_001257966.2); c.2249G>T (NM_201253.2); short protein forms G750V, G638V, G681V.
Identifiers: ClinVar variation 1418184 (VCV001418184.10), dbSNP rs2125483925, ClinGen allele CA344036811.

ClinVar aggregate classification (germline): Pathogenic/Likely pathogenic. Review status: criteria provided, multiple submitters, no conflicts (2 of 4 stars). 4 submissions from 3 submitters: Pathogenic (1); Likely pathogenic (3). Last evaluated 2025-04-02.

Conditions:
Leber congenital amaurosis 8 (LCA8). Identifiers: Orphanet 65, MedGen C3151202, MONDO:0013453, OMIM 613835.
Retinitis pigmentosa 12 (RP12). Also called: RP WITH OR WITHOUT PRESERVED PARAARTERIOLE RETINAL PIGMENT EPITHELIUM; RETINITIS PIGMENTOSA WITH OR WITHOUT PARAARTERIOLAR PRESERVATION OF RETINAL PIGMENT EPITHELIUM; RP WITH OR WITHOUT PPRPE. Identifiers: Orphanet 791, MedGen C1838647, MONDO:0010818, OMIM 600105.

gnomAD v4.1: 1 of 1,613,944 alleles (0.000062%); highest among the groups gnomAD compares: Non-Finnish European, 0.000085%; no homozygotes.

Submissions (4):

GeneDx
Classification: Likely pathogenic. Last evaluated: 2025-04-02. Review status: criteria provided, single submitter. Criteria: GeneDx Variant Classification Process June 2021. Collection method: clinical testing. Allele origin: germline. Affected: yes.
Comment: A different missense change at this residue (p.G750D) has been reported as likely pathogenic in the published literature in association with early childhood onset retinal dystrophy (PMID: 28559085); Not observed at significant frequency in large population cohorts (gnomAD); In silico analysis supports that this missense variant has a deleterious effect on protein structure/function; Has not been previously published as pathogenic or benign to our knowledge; This variant is associated with the following publications: (PMID: 28559085)

Labcorp Genetics (formerly Invitae), Labcorp
Classification: Pathogenic for Leber congenital amaurosis 8; Retinitis pigmentosa 12. Last evaluated: 2023-10-28. Review status: criteria provided, single submitter. Criteria: Invitae Variant Classification Sherloc (09022015). Collection method: clinical testing. Allele origin: germline.
Comment: This sequence change replaces glycine, which is neutral and non-polar, with valine, which is neutral and non-polar, at codon 750 of the CRB1 protein (p.Gly750Val). This variant is not present in population databases (gnomAD no frequency). This variant has not been reported in the literature in individuals affected with CRB1-related conditions. ClinVar contains an entry for this variant (Variation ID: 1418184). Advanced modeling of protein sequence and biophysical properties (such as structural, functional, and spatial information, amino acid conservation, physicochemical variation, residue mobility, and thermodynamic stability) performed at Invitae indicates that this missense variant is expected to disrupt CRB1 protein function with a positive predictive value of 95%. This variant disrupts the p.Gly750 amino acid residue in CRB1. Other variant(s) that disrupt this residue have been determined to be pathogenic (PMID: 28559085; Invitae). This suggests that this residue is clinically significant, and that variants that disrupt this residue are likely to be disease-causing. For these reasons, this variant has been classified as Pathogenic.

Genome-Nilou Lab
Classification: Likely pathogenic for Leber congenital amaurosis 8. Last evaluated: 2023-04-11. Review status: criteria provided, single submitter. Criteria: ACMG Guidelines, 2015. Collection method: clinical testing. Allele origin: germline. Affected: no.

Genome-Nilou Lab
Classification: Likely pathogenic for Retinitis pigmentosa 12. Last evaluated: 2023-04-11. Review status: criteria provided, single submitter. Criteria: ACMG Guidelines, 2015. Collection method: clinical testing. Allele origin: germline. Affected: no.

Literature cited by the submitters: PubMed 28559085 (cited by Labcorp Genetics (formerly Invitae), Labcorp).